The following is an entry in ClinVar:

NM_001376.5(DYNC1H1):c.11139A>G (p.Leu3713=)

Gene: DYNC1H1 (dynein cytoplasmic 1 heavy chain 1; plus strand). Cytogenetic location: 14q32.31.
Variant type: single nucleotide variant.
Coding change: c.11139A>G on transcript NM_001376.5 (MANE Select); coding-DNA position 11139, A replaced by G.
Protein change: p.Leu3713=; no amino-acid change (leucine 3713 retained).
Molecular consequence: synonymous variant.
Genome position (GRCh38, 1-based): chr14:102,038,781, A>G. VCF-style: chr14-102038781-A-G. GRCh37 (hg19) VCF-style: chr14-102505118-A-G.
Identifiers: ClinVar variation 434977 (VCV000434977.28), dbSNP rs143642514, ClinGen allele CA7353547.

ClinVar aggregate classification (germline): Likely benign. Review status: criteria provided, multiple submitters, no conflicts (2 of 4 stars). 7 submissions from 7 submitters: Likely benign (6). 1 of the submissions does not count toward it. Last evaluated 2026-02-01.

Conditions:
Charcot-Marie-Tooth disease axonal type 2O. Also called: Charcot-Marie-Tooth disease, axonal, type 20; CHARCOT-MARIE-TOOTH NEUROPATHY, AXONAL, TYPE 2O; CHARCOT-MARIE-TOOTH DISEASE, AXONAL, AUTOSOMAL DOMINANT, TYPE 2O; Charcot-Marie-Tooth Neuropathy Type 2O. Identifiers: Orphanet 284232, MedGen C3280220, MONDO:0013644, OMIM 614228.
DYNC1H1-related disorder. Also called: DYNC1H1-related disorders; DYNC1H1-related condition. Identifiers: MedGen CN381529.
Inborn genetic diseases. Identifiers: MedGen C0950123, MeSH D030342.

Allele frequency attached by ClinVar (database versions not stated): gnomAD 0.00010; TOPMed 0.00010; ESP Exome Variant Server 0.00015; ExAC 0.00005; gnomAD exomes 0.00005.
gnomAD v4.1: 86 of 1,614,102 alleles (0.0053%); highest among the groups gnomAD compares: Non-Finnish European, 0.0069%; no homozygotes.

Submissions (7):

CeGaT Center for Human Genetics Tuebingen
Classification: Likely benign. Last evaluated: 2026-02-01. Review status: criteria provided, single submitter. Criteria: CeGaT Center For Human Genetics Tuebingen Variant Classification Criteria Version 2. Collection method: clinical testing. Allele origin: germline. Affected: yes. Observed: 1 variant allele.
Comment: DYNC1H1: BP4, BP7

Labcorp Genetics (formerly Invitae), Labcorp
Classification: Likely benign for Charcot-Marie-Tooth disease axonal type 2O. Last evaluated: 2025-12-16. Review status: criteria provided, single submitter. Criteria: Invitae Variant Classification Sherloc (09022015). Collection method: clinical testing. Allele origin: germline.

Blueprint Genetics
Classification: Likely benign. Last evaluated: 2023-05-05. Review status: criteria provided, single submitter. Criteria: ACMG Guidelines, 2015. Collection method: clinical testing. Allele origin: germline.

GeneDx
Classification: Likely benign. Last evaluated: 2019-10-08. Review status: criteria provided, single submitter. Criteria: GeneDx Variant Classification Process June 2021. Collection method: clinical testing. Allele origin: germline. Affected: yes.

Ambry Genetics
Classification: Likely benign for Inborn genetic diseases. Last evaluated: 2018-07-23. Review status: criteria provided, single submitter. Criteria: Ambry Variant Classification Scheme 2023. Collection method: clinical testing. Allele origin: germline.

Genetic Services Laboratory, University of Chicago
Classification: Likely benign. Last evaluated: 2015-11-19. Review status: criteria provided, single submitter. Criteria: ACMG Guidelines, 2015. Collection method: clinical testing. Allele origin: germline. Affected: no.

PreventionGenetics, part of Exact Sciences
Classification: Likely benign for DYNC1H1-related condition. Last evaluated: 2024-07-03. Review status: no assertion criteria provided. Collection method: clinical testing. Allele origin: germline. Not counted in ClinVar's aggregate classification.
Comment: This variant is classified as likely benign based on ACMG/AMP sequence variant interpretation guidelines (Richards et al. 2015 PMID: 25741868, with internal and published modifications).